The following is an entry in ClinVar:

ClinVar aggregate classification (germline): Pathogenic/Likely pathogenic. Review status: criteria provided, multiple submitters, no conflicts (2 of 4 stars). 2 submissions from 2 submitters: Pathogenic (1); Likely pathogenic (1). Last evaluated 2025-12-23.

Conditions:
VPS13A-related neurodegenerative disease. Also called: ACANTHOCYTOSIS WITH NEUROLOGIC DISORDER; LEVINE-CRITCHLEY SYNDROME; Choreoacanthocytosis; Chorea-acanthocytosis; VPS13A Disease; Choreaacanthocytosis. Identifiers: Orphanet 2388, MedGen C0393576, MONDO:0008695, OMIM 200150.

gnomAD v4.1: 2 of 1,611,936 alleles (0.00012%); highest among the groups gnomAD compares: Non-Finnish European, 0.000085%; no homozygotes.

Submissions (2):

Natera, Inc.
Classification: Likely pathogenic for Choreaacanthocytosis. Last evaluated: 2025-12-23. Review status: criteria provided, single submitter. Criteria: Natera Variant Classification Schema (03/2026). Collection method: clinical testing. Allele origin: germline.
Comment: The c.4355C>G variant in VPS13A is a nonsense variant predicted to introduce a stop codon at amino acid 1452. This variant is expected to result in nonsense mediated decay, truncation, or a dysfunctional protein product. This variant is rare in the general population with a frequency below the threshold expected for the associated phenotype(s). Given the available evidence, this variant is classified as Likely Pathogenic.

Myriad Genetics, Inc.
Classification: Pathogenic for VPS13A-related neurodegenerative disease. Last evaluated: 2024-05-14. Review status: criteria provided, single submitter. Criteria: Myriad Autosomal Dominant, Autosomal Recessive and X-Linked Classification Criteria (2023). Collection method: clinical testing. Allele origin: unknown.
Comment: NM_033305.2(VPS13A):c.4355C>G(S1452*) is expected to be pathogenic in the context of VPS13A disease. This variant is predicted to lead to an abnormal or absent protein product due to the creation of a premature termination codon in VPS13A, a gene where loss-of-function variants are known to be pathogenic. Please note: this variant was assessed in the context of healthy population screening.

NM_033305.3(VPS13A):c.4355C>G (p.Ser1452Ter)

Gene: VPS13A (vacuolar protein sorting 13 homolog A; plus strand). Cytogenetic location: 9q21.2.
Variant type: single nucleotide variant.
Coding change: c.4355C>G on transcript NM_033305.3 (MANE Select); coding-DNA position 4355, C replaced by G.
Protein change: p.Ser1452Ter; replaces serine 1452 with a stop codon.
Molecular consequence: nonsense.
Genome position (GRCh38, 1-based): chr9:77,314,607, C>G. VCF-style: chr9-77314607-C-G. GRCh37 (hg19) VCF-style: chr9-79929523-C-G.
Other names: c.4238C>G, p.Ser1413Ter (NM_001018037.2); c.4355C>G, p.Ser1452Ter (NM_001018038.3, NM_015186.4); short protein forms S1413*, S1452*.
Identifiers: ClinVar variation 4816402 (VCV004816402.2).